The following is an entry in ClinVar:

ClinVar aggregate classification (germline): Uncertain significance (1 of 4 stars; one submission).

Conditions:
Tuberous sclerosis 1 (TSC1). Identifiers: Orphanet 805, MedGen C1854465, MONDO:0008612, OMIM 191100.

Submission:

Labcorp Genetics (formerly Invitae), Labcorp
Classification: Uncertain significance for Tuberous sclerosis 1. Last evaluated: 2023-04-23. Review status: criteria provided, single submitter. Criteria: Invitae Variant Classification Sherloc (09022015). Collection method: clinical testing. Allele origin: germline.
Comment: This variant has not been reported in the literature in individuals affected with TSC1-related conditions. This variant is not present in population databases (gnomAD no frequency). This sequence change replaces proline, which is neutral and non-polar, with arginine, which is basic and polar, at codon 1143 of the TSC1 protein (p.Pro1143Arg). Advanced modeling of protein sequence and biophysical properties (such as structural, functional, and spatial information, amino acid conservation, physicochemical variation, residue mobility, and thermodynamic stability) performed at Invitae indicates that this missense variant is not expected to disrupt TSC1 protein function. In summary, the available evidence is currently insufficient to determine the role of this variant in disease. Therefore, it has been classified as a Variant of Uncertain Significance.

NM_000368.5(TSC1):c.3428C>G (p.Pro1143Arg)

Gene: TSC1 (TSC complex subunit 1; minus strand). Cytogenetic location: 9q34.13.
Variant type: single nucleotide variant.
Coding change: c.3428C>G on transcript NM_000368.5 (MANE Select); coding-DNA position 3428, C replaced by G.
Protein change: p.Pro1143Arg; replaces proline 1143 with arginine.
Molecular consequence: missense variant. On other transcripts: non-coding transcript variant (5).
Genome position (GRCh38, 1-based): chr9:132,896,302, G>C on the plus strand (C>G on the coding strand, the complement: TSC1 is on the minus strand). VCF-style: chr9-132896302-G-C. GRCh37 (hg19) VCF-style: chr9-135771689-G-C.
Other names: c.3425C>G, p.Pro1142Arg (NM_001162426.2, NM_001406597.1, NM_001406598.1 and 2 more transcripts); c.3275C>G, p.Pro1092Arg (NM_001162427.2, NM_001406610.1); c.3065C>G, p.Pro1022Arg (NM_001362177.2, NM_001406614.1, NM_001406615.1 and 4 more transcripts); c.3428C>G, p.Pro1143Arg (NM_001406592.1, NM_001406593.1, NM_001406594.1 and 2 more transcripts); c.3413C>G, p.Pro1138Arg (NM_001406601.1, NM_001406602.1); c.3410C>G, p.Pro1137Arg (NM_001406603.1, NM_001406604.1); c.3386C>G, p.Pro1129Arg (NM_001406605.1, NM_001406606.1, NM_001406607.1); c.3383C>G, p.Pro1128Arg (NM_001406608.1, NM_001406609.1); and 8 more; short protein forms P1077R, P1129R, P1142R, P1007R, P1138R, P1143R, P825R, P826R.
Identifiers: ClinVar variation 2842515 (VCV002842515.3), dbSNP rs201867031, ClinGen allele CA375366396.